The following is an entry in ClinVar:

NM_004946.3(DOCK2):c.3448A>G (p.Met1150Val)

Gene: DOCK2 (dedicator of cytokinesis 2; plus strand). Cytogenetic location: 5q35.1.
Variant type: single nucleotide variant.
Coding change: c.3448A>G on transcript NM_004946.3 (MANE Select); coding-DNA position 3448, A replaced by G.
Protein change: p.Met1150Val; replaces methionine 1150 with valine.
Molecular consequence: missense variant. On other transcripts: non-coding transcript variant (1).
Genome position (GRCh38, 1-based): chr5:170,027,929, A>G. VCF-style: chr5-170027929-A-G. GRCh37 (hg19) VCF-style: chr5-169454933-A-G.
Other names: short protein forms M1150V.
Identifiers: ClinVar variation 1930732 (VCV001930732.5), dbSNP rs1464675646, ClinGen allele CA362106383.
Genomic context (GRCh38, chr5:170,027,929, plus strand): 5'-AACGAAATCATCCTGAAGCTGGACCACGAGGTAGAAGGGGGCCGAGGCGACGAGCAGTAC[A>G]TGCAGCTCCTGGAGTCAATGTAAGTTCAGTGCCCTGTGTGTAGGAACAGCCTGTGAAGGT-3'
Protein context (NP_004937.1, residues 1140-1160): VEGGRGDEQY[Met1150Val]QLLESILMEC

ClinVar aggregate classification (germline): Uncertain significance (1 of 4 stars; one submission).

Conditions:
DOCK2 deficiency. Also called: Immunodeficiency 40. Identifiers: Orphanet 447737, MedGen C4225328, MONDO:0014637, OMIM 616433.

Submission:

Labcorp Genetics (formerly Invitae), Labcorp
Classification: Uncertain significance for DOCK2 deficiency. Last evaluated: 2022-02-14. Review status: criteria provided, single submitter. Criteria: Invitae Variant Classification Sherloc (09022015). Collection method: clinical testing. Allele origin: germline.
Comment: In summary, the available evidence is currently insufficient to determine the role of this variant in disease. Therefore, it has been classified as a Variant of Uncertain Significance. Algorithms developed to predict the effect of missense changes on protein structure and function output the following: SIFT: "Tolerated"; PolyPhen-2: "Benign"; Align-GVGD: "Class C0". The valine amino acid residue is found in multiple mammalian species, which suggests that this missense change does not adversely affect protein function. This variant has not been reported in the literature in individuals affected with DOCK2-related conditions. This variant is present in population databases (no rsID available, gnomAD 0.003%). This sequence change replaces methionine, which is neutral and non-polar, with valine, which is neutral and non-polar, at codon 1150 of the DOCK2 protein (p.Met1150Val).